The following is an entry in ClinVar:

ClinVar aggregate classification (germline): Benign (0 of 4 stars; one submission).

Conditions:
CEP170B-related disorder. Also called: CEP170B-related condition.

Allele frequency attached by ClinVar (database versions not stated): 1000 Genomes Project 30x 0.35244; 1000 Genomes Project 0.35383; TOPMed 0.43123; gnomAD 0.44378; ESP Exome Variant Server 0.45308; ExAC 0.53909; gnomAD exomes 0.54479.

Submission:

PreventionGenetics, part of Exact Sciences
Classification: Benign for CEP170B-related condition. Last evaluated: 2019-10-17. Review status: no assertion criteria provided. Collection method: clinical testing. Allele origin: germline.
Comment: This variant is classified as benign based on ACMG/AMP sequence variant interpretation guidelines (Richards et al. 2015 PMID: 25741868, with internal and published modifications).

NM_001112726.3(CEP170B):c.267C>T (p.Phe89=)

Gene: CEP170B (centrosomal protein 170B; plus strand). Cytogenetic location: 14q32.33.
Variant type: single nucleotide variant.
Coding change: c.267C>T on transcript NM_001112726.3 (MANE Select); coding-DNA position 267, C replaced by T.
Protein change: p.Phe89=; no amino-acid change (phenylalanine 89 retained).
Molecular consequence: synonymous variant.
Genome position (GRCh38, 1-based): chr14:104,877,956, C>T. VCF-style: chr14-104877956-C-T. GRCh37 (hg19) VCF-style: chr14-105344293-C-T.
Other names: c.57C>T, p.Phe19= (NM_015005.3).
Identifiers: ClinVar variation 3058985 (VCV003058985.2), dbSNP rs61995995, ClinGen allele CA7375181.